The following is an entry in ClinVar:

ClinVar aggregate classification (germline): Uncertain significance (1 of 4 stars; one submission).

Submission:

Labcorp Genetics (formerly Invitae), Labcorp
Classification: Uncertain significance. Last evaluated: 2025-10-14. Review status: criteria provided, single submitter. Criteria: Invitae Variant Classification Sherloc (09022015). Collection method: clinical testing. Allele origin: germline.
Comment: This sequence change replaces asparagine, which is neutral and polar, with aspartic acid, which is acidic and polar, at codon 176 of the ARIH1 protein (p.Asn176Asp). This variant is not present in population databases (gnomAD no frequency). This variant has not been reported in the literature in individuals affected with ARIH1-related conditions. An algorithm developed to predict the effect of missense changes on protein structure and function (PolyPhen-2) suggests that this variant is likely to be tolerated. In summary, the available evidence is currently insufficient to determine the role of this variant in disease. Therefore, it has been classified as a Variant of Uncertain Significance.

NM_005744.5(ARIH1):c.526A>G (p.Asn176Asp)

Gene: ARIH1 (ariadne RBR E3 ubiquitin protein ligase 1; plus strand). Cytogenetic location: 15q24.1.
Variant type: single nucleotide variant.
Coding change: c.526A>G on transcript NM_005744.5 (MANE Select); coding-DNA position 526, A replaced by G.
Protein change: p.Asn176Asp; replaces asparagine 176 with aspartic acid.
Molecular consequence: missense variant.
Genome position (GRCh38, 1-based): chr15:72,544,902, A>G. VCF-style: chr15-72544902-A-G. GRCh37 (hg19) VCF-style: chr15-72837243-A-G.
Other names: short protein forms N176D.
Identifiers: ClinVar variation 4774013 (VCV004774013.1).